The following is an entry in ClinVar:

ClinVar aggregate classification (germline): Uncertain significance (1 of 4 stars; one submission).

Allele frequency attached by ClinVar (database versions not stated): gnomAD exomes below 0.00001.
gnomAD v4.1: 2 of 1,614,132 alleles (0.00012%); highest among the groups gnomAD compares: Non-Finnish European, 0.00017%; no homozygotes.

Submission:

Labcorp Genetics (formerly Invitae), Labcorp
Classification: Uncertain significance. Last evaluated: 2023-08-23. Review status: criteria provided, single submitter. Criteria: Invitae Variant Classification Sherloc (09022015). Collection method: clinical testing. Allele origin: germline.
Comment: In summary, the available evidence is currently insufficient to determine the role of this variant in disease. Therefore, it has been classified as a Variant of Uncertain Significance. Advanced modeling of protein sequence and biophysical properties (such as structural, functional, and spatial information, amino acid conservation, physicochemical variation, residue mobility, and thermodynamic stability) performed at Invitae indicates that this missense variant is not expected to disrupt ALPK1 protein function. This variant has not been reported in the literature in individuals affected with ALPK1-related conditions. This variant is not present in population databases (gnomAD no frequency). This sequence change replaces glycine, which is neutral and non-polar, with arginine, which is basic and polar, at codon 534 of the ALPK1 protein (p.Gly534Arg).

NM_025144.4(ALPK1):c.1600G>A (p.Gly534Arg)

Gene: ALPK1 (alpha kinase 1; plus strand). Cytogenetic location: 4q25.
Variant type: single nucleotide variant.
Coding change: c.1600G>A on transcript NM_025144.4 (MANE Select); coding-DNA position 1600, G replaced by A.
Protein change: p.Gly534Arg; replaces glycine 534 with arginine.
Molecular consequence: missense variant.
Genome position (GRCh38, 1-based): chr4:112,431,147, G>A. VCF-style: chr4-112431147-G-A. GRCh37 (hg19) VCF-style: chr4-113352303-G-A.
Other names: c.1600G>A, p.Gly534Arg (NM_001102406.2); c.1366G>A, p.Gly456Arg (NM_001253884.2); short protein forms G534R, G456R.
Identifiers: ClinVar variation 2739786 (VCV002739786.3), dbSNP rs1734528021, ClinGen allele CA357895702.
Genomic context (GRCh38, chr4:112,431,147, plus strand): 5'-AGAGACACAGGAATATCTTCCTCCCTAATGGGTAAGAATGTTCAGAGGGAACTCAGAAGG[G>A]GAGGAAGGAGAAACTGGACCCATTCTGATGCATTTCGAGTCTCCTTGGATCAAGATGTGG-3'
Protein context (NP_079420.3, residues 524-544): GKNVQRELRR[Gly534Arg]GRRNWTHSDA